The following is an entry in ClinVar:

NM_001123385.2(BCOR):c.358C>T (p.Pro120Ser)

Gene: BCOR (BCL6 corepressor; minus strand). Cytogenetic location: Xp11.4.
Variant type: single nucleotide variant.
Coding change: c.358C>T on transcript NM_001123385.2 (MANE Select); coding-DNA position 358, C replaced by T.
Protein change: p.Pro120Ser; replaces proline 120 with serine.
Molecular consequence: missense variant.
Genome position (GRCh38, 1-based): chrX:40,074,988, G>A on the plus strand (C>T on the coding strand, the complement: BCOR is on the minus strand). VCF-style: chrX-40074988-G-A. GRCh37 (hg19) VCF-style: chrX-39934241-G-A.
Other names: c.358C>T, p.Pro120Ser (NM_001123383.2, NM_001123384.2, NM_017745.6); short protein forms P120S.
Identifiers: ClinVar variation 3774013 (VCV003774013.1).

ClinVar aggregate classification (germline): Uncertain significance (1 of 4 stars; one submission).

Submission:

GeneDx
Classification: Uncertain significance. Last evaluated: 2024-09-19. Review status: criteria provided, single submitter. Criteria: GeneDx Variant Classification Process June 2021. Collection method: clinical testing. Allele origin: germline. Affected: yes.
Comment: Not observed at significant frequency in large population cohorts (gnomAD); In silico analysis supports that this missense variant has a deleterious effect on protein structure/function; Has not been previously published as pathogenic or benign to our knowledge